The following is an entry in ClinVar:

NM_021813.4(BACH2):c.1153T>G (p.Tyr385Asp)

Gene: BACH2 (BACH transcriptional regulator 2; minus strand). Cytogenetic location: 6q15.
Variant type: single nucleotide variant.
Coding change: c.1153T>G on transcript NM_021813.4 (MANE Select); coding-DNA position 1153, T replaced by G.
Protein change: p.Tyr385Asp; replaces tyrosine 385 with aspartic acid.
Molecular consequence: missense variant.
Genome position (GRCh38, 1-based): chr6:89,950,953, A>C on the plus strand (T>G on the coding strand, the complement: BACH2 is on the minus strand). VCF-style: chr6-89950953-A-C. GRCh37 (hg19) VCF-style: chr6-90660672-A-C.
Other names: c.1153T>G, p.Tyr385Asp (NM_001170794.2); short protein forms Y385D.
Identifiers: ClinVar variation 2704547 (VCV002704547.3), dbSNP rs2533565922, ClinGen allele CA365071443.

ClinVar aggregate classification (germline): Uncertain significance (1 of 4 stars; one submission).

Submission:

Labcorp Genetics (formerly Invitae), Labcorp
Classification: Uncertain significance. Last evaluated: 2024-02-19. Review status: criteria provided, single submitter. Criteria: Invitae Variant Classification Sherloc (09022015). Collection method: clinical testing. Allele origin: germline.
Comment: This sequence change replaces tyrosine, which is neutral and polar, with aspartic acid, which is acidic and polar, at codon 385 of the BACH2 protein (p.Tyr385Asp). This variant is not present in population databases (gnomAD no frequency). This variant has not been reported in the literature in individuals affected with BACH2-related conditions. Advanced modeling of protein sequence and biophysical properties (such as structural, functional, and spatial information, amino acid conservation, physicochemical variation, residue mobility, and thermodynamic stability) performed at Invitae indicates that this missense variant is not expected to disrupt BACH2 protein function with a negative predictive value of 80%. In summary, the available evidence is currently insufficient to determine the role of this variant in disease. Therefore, it has been classified as a Variant of Uncertain Significance.